The following is an entry in ClinVar:

NM_006015.6(ARID1A):c.67G>T (p.Glu23Ter)

Gene: ARID1A (AT-rich interaction domain 1A; plus strand). Cytogenetic location: 1p36.11.
Variant type: single nucleotide variant.
Coding change: c.67G>T on transcript NM_006015.6 (MANE Select); coding-DNA position 67, G replaced by T.
Protein change: p.Glu23Ter; replaces glutamic acid 23 with a stop codon.
Molecular consequence: nonsense.
Genome position (GRCh38, 1-based): chr1:26,696,470, G>T. VCF-style: chr1-26696470-G-T. GRCh37 (hg19) VCF-style: chr1-27022961-G-T.
Other names: c.67G>T, p.Glu23Ter (NM_139135.4); c.67G>T (NM_006015.4); short protein forms E23*.
Identifiers: ClinVar variation 591488 (VCV000591488.2), dbSNP rs1557569082, ClinGen allele CA339264314.

ClinVar aggregate classification (germline): Conflicting classifications of pathogenicity. Review status: no assertion criteria provided (0 of 4 stars). 2 submissions from 2 submitters: Likely pathogenic (1); Uncertain significance (1). Last evaluated 2024-07-31.

Conditions:
ARID1A-related disorder. Also called: ARID1A-related condition.

Submissions (2):

PreventionGenetics, part of Exact Sciences
Classification: Likely pathogenic for ARID1A-related condition. Last evaluated: 2024-07-31. Review status: no assertion criteria provided. Collection method: clinical testing. Allele origin: germline.
Comment: The ARID1A c.67G>T variant is predicted to result in premature protein termination (p.Glu23*). To our knowledge, this variant has not been reported in the literature or in a large population database, indicating this variant is rare. Other truncating variants in the 5' or 3' regions of this variants have been reported to be pathogenic for Coffin-Siris syndrome (HGMD database; Tsurusaki et al. 2012. PubMed ID: 22426308). Nonsense variants in ARID1A are expected to be pathogenic. This variant is interpreted as likely pathogenic.

Gharavi Laboratory, Columbia University
Classification: Uncertain significance. Last evaluated: 2018-09-16. Review status: no assertion criteria provided. Criteria: ACMG Guidelines, 2015. Collection method: research. Allele origin: germline. Affected: yes.